The following is an entry in ClinVar:

NM_000551.4(VHL):c.*3395C>T

Genes: VHL (von Hippel-Lindau tumor suppressor; plus strand), LOC107303340 (3p25 von Hippel-Lindau tumor suppressor, E3 ubiquitin protein ligase Alu-mediated recombination region; plus strand). Cytogenetic location: 3p25.3.
Variant type: single nucleotide variant.
Coding change: c.*3395C>T on transcript NM_000551.4 (MANE Select); 3395 bases downstream of the stop codon, C replaced by T.
Molecular consequence: 3 prime UTR variant.
Genome position (GRCh38, 1-based): chr3:10,153,360, C>T. VCF-style: chr3-10153360-C-T. GRCh37 (hg19) VCF-style: chr3-10195044-C-T.
Other names: c.*3591C>T (NM_001354723.2); c.*3395C>T (NM_198156.3).
Identifiers: ClinVar variation 342502 (VCV000342502.5), dbSNP rs184144719, ClinGen allele CA10616720.
Genomic context (GRCh38, chr3:10,153,360, plus strand): 5'-AATTATCCAGGTGTGGCGGTGGGCGCCTGTGAGGCAGGCGAATCTCTTGAACCCGGGAGG[C>T]GGAGGTTGCAGTGAGCCAAGATCACACCATTGCACTCCAGCCTGGGCAACAAGAGTGAAA-3'

ClinVar aggregate classification (germline): Benign (1 of 4 stars; one submission).

Conditions:
Von Hippel-Lindau syndrome (VHLS). Also called: Von Hippel-Lindau; von Hippel–Lindau syndrome; VHL syndrome. Identifiers: Orphanet 892, MedGen C0019562, MONDO:0008667, OMIM 193300. Disease mechanism: loss of function.

Allele frequency attached by ClinVar (database versions not stated): gnomAD 0.00198 and 0.00205; TOPMed 0.00248; 1000 Genomes Project 0.00339; 1000 Genomes Project 30x 0.00359.
gnomAD v4.1: 296 of 151,600 alleles (0.2%); highest among the groups gnomAD compares: African/African-American, 0.62%; 1 homozygote.

Submission:

Illumina Laboratory Services, Illumina
Classification: Benign for Von Hippel-Lindau syndrome. Last evaluated: 2018-01-12. Review status: criteria provided, single submitter. Criteria: ICSL Variant Classification Criteria 13 December 2019. Collection method: clinical testing. Allele origin: germline.
Comment: This variant was observed in the ICSL laboratory as part of a predisposition screen in an ostensibly healthy population. It had not been previously curated by ICSL or reported in the Human Gene Mutation Database (HGMD: prior to June 1st, 2018), and was therefore a candidate for classification through an automated scoring system. Utilizing variant allele frequency, disease prevalence and penetrance estimates, and inheritance mode, an automated score was calculated to assess if this variant is too frequent to cause the disease. Based on the score and internal cut-off values, a variant classified as benign is not then subjected to further curation. The score for this variant resulted in a classification of benign for this disease.